The following is an entry in ClinVar:

NM_006531.5(IFT88):c.1750A>G (p.Thr584Ala)

Gene: IFT88 (intraflagellar transport 88; plus strand). Cytogenetic location: 13q12.11.
Variant type: single nucleotide variant.
Coding change: c.1750A>G on transcript NM_006531.5 (MANE Select); coding-DNA position 1750, A replaced by G.
Protein change: p.Thr584Ala; replaces threonine 584 with alanine.
Molecular consequence: missense variant. On other transcripts: non-coding transcript variant (4).
Genome position (GRCh38, 1-based): chr13:20,643,522, A>G. VCF-style: chr13-20643522-A-G. GRCh37 (hg19) VCF-style: chr13-21217661-A-G.
Other names: c.1693A>G, p.Thr565Ala (NM_001318491.2, NM_001353575.2); c.1777A>G, p.Thr593Ala (NM_001318493.2, NM_001353565.2, NM_001353566.2 and 2 more transcripts); c.1750A>G, p.Thr584Ala (NM_001353568.2, NM_001353572.2); c.1675A>G, p.Thr559Ala (NM_001353569.2, NM_001353570.2, NM_001353576.2 and 1 more transcripts); c.1648A>G, p.Thr550Ala (NM_001353571.2, NM_001353578.2); c.1606A>G, p.Thr536Ala (NM_001353573.2); c.1591A>G, p.Thr531Ala (NM_001353574.2); c.1117A>G, p.Thr373Ala (NM_001353579.2); short protein forms T550A, T559A, T584A, T373A, T531A, T536A, T593A, T565A.
Identifiers: ClinVar variation 2004030 (VCV002004030.4), dbSNP rs750449166, ClinGen allele CA6905527.

ClinVar aggregate classification (germline): Uncertain significance (1 of 4 stars; one submission).

Allele frequency attached by ClinVar (database versions not stated): gnomAD exomes below 0.00001.
gnomAD v4.1: 3 of 1,612,452 alleles (0.00019%); highest among the groups gnomAD compares: Admixed American, 0.0017%; no homozygotes.

Submission:

Labcorp Genetics (formerly Invitae), Labcorp
Classification: Uncertain significance. Last evaluated: 2022-06-09. Review status: criteria provided, single submitter. Criteria: Invitae Variant Classification Sherloc (09022015). Collection method: clinical testing. Allele origin: germline.
Comment: In summary, the available evidence is currently insufficient to determine the role of this variant in disease. Therefore, it has been classified as a Variant of Uncertain Significance. Algorithms developed to predict the effect of missense changes on protein structure and function are either unavailable or do not agree on the potential impact of this missense change (SIFT: "Not Available"; PolyPhen-2: "Benign"; Align-GVGD: "Not Available"). This variant has not been reported in the literature in individuals affected with IFT88-related conditions. This variant is present in population databases (rs750449166, gnomAD 0.003%). This sequence change replaces threonine, which is neutral and polar, with alanine, which is neutral and non-polar, at codon 593 of the IFT88 protein (p.Thr593Ala).